The following is an entry in ClinVar:

ClinVar aggregate classification (germline): Uncertain significance (1 of 4 stars; one submission).

Conditions:
Melnick-Needles syndrome (MNS). Also called: MELNICK-NEEDLES OSTEODYSPLASTY; OSTEODYSPLASTY OF MELNICK AND NEEDLES; Melnick-Needles Syndrome (FLNA-MNS). Identifiers: Orphanet 2484, MedGen C0025237, MONDO:0010650, OMIM 309350.
Frontometaphyseal dysplasia (FMD1). Identifiers: Orphanet 1826, MedGen C0265293, MONDO:0015942.
Heterotopia, periventricular, X-linked dominant (PVNH1). Also called: PERIVENTRICULAR NODULAR HETEROTOPIA 1; X-linked periventricular heterotopia; PERIVENTRICULAR NODULAR HETEROTOPIA 4; HETEROTOPIA, PERIVENTRICULAR, 1. Identifiers: Orphanet 2149, Orphanet 82004, MedGen C1848213, MONDO:0010233, OMIM 300049.
Oto-palato-digital syndrome, type II (OPD2). Also called: FACIOPALATOOSSEOUS SYNDROME; OPD II SYNDROME; Otopalatodigital Syndrome, Type II; Otopalatodigital Syndrome Type 2 (FLNA-OPD2). Identifiers: Orphanet 669, Orphanet 90652, MedGen C1844696, MONDO:0010571, OMIM 304120.

Submission:

Labcorp Genetics (formerly Invitae), Labcorp
Classification: Uncertain significance for Oto-palato-digital syndrome, type II; Heterotopia, periventricular, X-linked dominant; Frontometaphyseal dysplasia; Melnick-Needles syndrome. Last evaluated: 2024-08-27. Review status: criteria provided, single submitter. Criteria: Invitae Variant Classification Sherloc (09022015). Collection method: clinical testing. Allele origin: germline.
Comment: This sequence change replaces glycine, which is neutral and non-polar, with aspartic acid, which is acidic and polar, at codon 999 of the FLNA protein (p.Gly999Asp). This variant is not present in population databases (gnomAD no frequency). This variant has not been reported in the literature in individuals affected with FLNA-related conditions. Invitae Evidence Modeling of protein sequence and biophysical properties (such as structural, functional, and spatial information, amino acid conservation, physicochemical variation, residue mobility, and thermodynamic stability) indicates that this missense variant is not expected to disrupt FLNA protein function with a negative predictive value of 95%. In summary, the available evidence is currently insufficient to determine the role of this variant in disease. Therefore, it has been classified as a Variant of Uncertain Significance.

NM_001110556.2(FLNA):c.2996G>A (p.Gly999Asp)

Gene: FLNA (filamin A; minus strand). Cytogenetic location: Xq28.
Variant type: single nucleotide variant.
Coding change: c.2996G>A on transcript NM_001110556.2 (MANE Select); coding-DNA position 2996, G replaced by A.
Protein change: p.Gly999Asp; replaces glycine 999 with aspartic acid.
Molecular consequence: missense variant.
Genome position (GRCh38, 1-based): chrX:154,361,519, C>T on the plus strand (G>A on the coding strand, the complement: FLNA is on the minus strand). VCF-style: chrX-154361519-C-T. GRCh37 (hg19) VCF-style: chrX-153589887-C-T.
Other names: c.2996G>A, p.Gly999Asp (NM_001456.4); short protein forms G999D.
Identifiers: ClinVar variation 3754002 (VCV003754002.2), dbSNP rs863223621.
Genomic context (GRCh38, chrX:154,361,519, plus strand): 5'-TTGCAGGGCACCGCTGCACCCGAGGGGCCCACAATCTTGGATGCCACTTTGCCTTGACCA[C>T]CAGCACCCTTTGATTTGACTGTGAACTCCTGGTCTTTGCCAACGTCCACCTCTGTGGAAA-3'
Protein context (NP_001104026.1, residues 989-1009): QEFTVKSKGA[Gly999Asp]GQGKVASKIV